The following is an entry in ClinVar:

ClinVar aggregate classification (germline): Pathogenic (1 of 4 stars; one submission).

Conditions:
Arrhythmogenic right ventricular dysplasia 10. Also called: Arrhythmogenic Right Ventricular Dysplasia/Cardiomyopathy10; ARRHYTHMOGENIC RIGHT VENTRICULAR DYSPLASIA, FAMILIAL, 10; Arrhythmogenic right ventricular dysplasia/cardiomyopathy, type 10. Identifiers: MedGen C1857777, MONDO:0012434, OMIM 610193.

Submission:

Labcorp Genetics (formerly Invitae), Labcorp
Classification: Pathogenic for Arrhythmogenic right ventricular dysplasia 10. Last evaluated: 2025-09-16. Review status: criteria provided, single submitter. Criteria: Invitae Variant Classification Sherloc (09022015). Collection method: clinical testing. Allele origin: germline.
Comment: This sequence change creates a premature translational stop signal (p.Ser913Leufs*8) in the DSG2 gene. While this is not anticipated to result in nonsense mediated decay, it is expected to disrupt the last 206 amino acid(s) of the DSG2 protein. This variant is not present in population databases (gnomAD no frequency). This variant has not been reported in the literature in individuals affected with DSG2-related conditions. This variant disrupts a region of the DSG2 protein in which other variant(s) (p.Glu1020Alafs*18) have been determined to be pathogenic (PMID: 20864495, 21397041, 23381804). This suggests that this is a clinically significant region of the protein, and that variants that disrupt it are likely to be disease-causing. For these reasons, this variant has been classified as Pathogenic.

Literature cited by the submitters: PubMed 20864495; PubMed 21397041; PubMed 23381804.

NM_001943.5(DSG2):c.2736del (p.Ser913fs)

Genes: DSG2 (desmoglein 2; plus strand), DSG2-AS1 (DSG2 antisense RNA 1; minus strand). Cytogenetic location: 18q12.1.
Variant type: Deletion.
Coding change: c.2736del on transcript NM_001943.5 (MANE Select); coding-DNA position 2736, one base deleted (G; older notation c.2736delG).
Protein change: p.Ser913fs; shifts the reading frame from serine 913.
Molecular consequence: frameshift variant.
Genome position (GRCh38, 1-based): chr18:31,546,122, G deleted. VCF-style (leftmost placement, unchanged base first): chr18-31546121-TG-T. GRCh37 (hg19) VCF-style: chr18-29126084-TG-T.
Other names: short protein forms S913fs.
Identifiers: ClinVar variation 4722919 (VCV004722919.1).